The following is an entry in ClinVar:

ClinVar aggregate classification (germline): Uncertain significance (1 of 4 stars; one submission).

Submission:

GeneDx
Classification: Uncertain significance. Last evaluated: 2016-05-04. Review status: criteria provided, single submitter. Criteria: GeneDx Variant Classification (06012015). Collection method: clinical testing. Allele origin: germline. Affected: yes.
Comment: This variant is denoted BRCA2 c.7330G>C at the cDNA level, p.Asp2444His (D2444H) at the protein level, and results in the change of an Aspartic Acid to a Histidine (GAT>CAT). Using alternate nomenclature, this variant would be defined as BRCA2 7558G>C. This variant has not, to our knowledge, been published in the literature as pathogenic or benign. BRCA2 Asp2444His was not observed in approximately 6,500 individuals of European and African American ancestry in the NHLBI Exome Sequencing Project, suggesting it is not a common benign variant in these populations. Since Aspartic Acid and Histidine differ in polarity, charge, size or other properties, this is considered a non-conservative amino acid substitution. BRCA2 Asp2444His occurs at a position that is not conserved and is located in the within the FANCD2 binding domain (UniProt). In silico analyses predict that this variant is unlikely to alter protein structure or function. Based on currently available evidence, it is unclear whether BRCA2 Asp2444His is pathogenic or benign. We consider it to be a variant of uncertain significance.

NM_000059.4(BRCA2):c.7330G>C (p.Asp2444His)

Gene: BRCA2 (BRCA2 DNA repair associated; plus strand). Cytogenetic location: 13q13.1.
Variant type: single nucleotide variant.
Coding change: c.7330G>C on transcript NM_000059.4 (MANE Select); coding-DNA position 7330, G replaced by C.
Protein change: p.Asp2444His; replaces aspartic acid 2444 with histidine.
Molecular consequence: missense variant.
Genome position (GRCh38, 1-based): chr13:32,355,183, G>C. VCF-style: chr13-32355183-G-C. GRCh37 (hg19) VCF-style: chr13-32929320-G-C.
Other names: short protein forms D2444H.
Identifiers: ClinVar variation 421126 (VCV000421126.2), dbSNP rs398122579, ClinGen allele CA16619759.